The following is an entry in ClinVar:

NM_025179.4(PLXNA2):c.5225+10C>T

Gene: PLXNA2 (plexin A2; minus strand). Cytogenetic location: 1q32.2.
Variant type: single nucleotide variant.
Coding change: c.5225+10C>T on transcript NM_025179.4 (MANE Select); 10 bases into the intron after coding-DNA position 5225, C replaced by T.
Molecular consequence: intron variant.
Genome position (GRCh38, 1-based): chr1:208,031,580, G>A on the plus strand (C>T on the coding strand, the complement: PLXNA2 is on the minus strand). VCF-style: chr1-208031580-G-A. GRCh37 (hg19) VCF-style: chr1-208204925-G-A.
Identifiers: ClinVar variation 722515 (VCV000722515.13), dbSNP rs199910807, ClinGen allele CA1372636.

ClinVar aggregate classification (germline): Benign. Review status: criteria provided, single submitter (1 of 4 stars). 2 submissions from 2 submitters: Benign (1). 1 of the submissions does not count toward it. Last evaluated 2026-01-17.

Conditions:
PLXNA2-related disorder. Also called: PLXNA2-related condition.

Allele frequency attached by ClinVar (database versions not stated): 1000 Genomes Project 0.00020; 1000 Genomes Project 30x 0.00031; TOPMed 0.00104; ESP Exome Variant Server 0.00146.
gnomAD v4.1: 2,656 of 1,613,928 alleles (0.16%); highest among the groups gnomAD compares: Non-Finnish European, 0.21%; 5 homozygotes.

Submissions (2):

Labcorp Genetics (formerly Invitae), Labcorp
Classification: Benign. Last evaluated: 2026-01-17. Review status: criteria provided, single submitter. Criteria: Invitae Variant Classification Sherloc (09022015). Collection method: clinical testing. Allele origin: germline.

PreventionGenetics, part of Exact Sciences
Classification: Likely benign for PLXNA2-related condition. Last evaluated: 2021-07-19. Review status: no assertion criteria provided. Collection method: clinical testing. Allele origin: germline. Not counted in ClinVar's aggregate classification.
Comment: This variant is classified as likely benign based on ACMG/AMP sequence variant interpretation guidelines (Richards et al. 2015 PMID: 25741868, with internal and published modifications).